The following is an entry in ClinVar:

NM_001009944.3(PKD1):c.768_777del (p.Pro257fs)

Gene: PKD1 (polycystin 1, transient receptor potential channel interacting; minus strand). Cytogenetic location: 16p13.3.
Variant type: Deletion.
Coding change: c.768_777del on transcript NM_001009944.3 (MANE Select); coding-DNA positions 768 to 777, 10 bases deleted (CCCCACCTGT; older notation c.768_777delCCCCACCTGT).
Protein change: p.Pro257fs; shifts the reading frame from proline 257.
Molecular consequence: frameshift variant.
Genome position (GRCh38, 1-based): chr16:2,118,215-2,118,224, ACAGGTGGGG deleted on the plus strand (CCCCACCTGT on the coding strand, the reverse complement: PKD1 is on the minus strand). VCF-style (leftmost placement, unchanged base first): chr16-2118214-TACAGGTGGGG-T. GRCh37 (hg19) VCF-style: chr16-2168215-TACAGGTGGGG-T.
Other names: c.768_777del10 (NM_001009944.3); c.768_777del, p.Pro257fs (NM_000296.4); short protein forms P257fs.
Identifiers: ClinVar variation 4847301 (VCV004847301.1).

ClinVar aggregate classification (germline): Pathogenic (1 of 4 stars; one submission).

Conditions:
Polycystic kidney disease, adult type (PKD1). Also called: Polycystic Kidney Disease 1, Autosomal Dominant; Polycystic kidney disease 1; Polycystic kidney disease 1, severe; Polycystic Kidney, Autosomal Dominant; POLYCYSTIC KIDNEY DISEASE, ADULT, TYPE I; POLYCYSTIC KIDNEY DISEASE 1 WITH OR WITHOUT POLYCYSTIC LIVER DISEASE. Identifiers: MedGen C3149841, MONDO:0008263, OMIM 173900.

Submission:

Women's Health and Genetics/Laboratory Corporation of America, LabCorp
Classification: Pathogenic for Polycystic kidney disease, adult type. Last evaluated: 2026-03-12. Review status: criteria provided, single submitter. Criteria: LabCorp Variant Classification Summary - May 2015. Collection method: clinical testing. Allele origin: germline.
Comment: Variant summary: PKD1 c.768_777del10 (p.Pro257GlyfsX30) results in a premature termination codon, predicted to cause a truncation of the encoded protein or absence of the protein due to nonsense mediated decay, which are commonly known mechanisms for disease. The variant was absent in 138576 control chromosomes. To our knowledge, no occurrence of c.768_777del10 in individuals affected with PKD1-related conditions and no experimental evidence demonstrating its impact on protein function have been reported. No submitters have cited clinical-significance assessments for this variant to ClinVar. Based on the evidence outlined above, the variant was classified as pathogenic.